The following is an entry in ClinVar:

ClinVar aggregate classification (germline): Pathogenic. Review status: criteria provided, multiple submitters, no conflicts (2 of 4 stars). 3 submissions from 3 submitters: Pathogenic (3). Last evaluated 2025-04-24.

Conditions:
Familial cancer of breast. Also called: Hereditary breast cancer; hereditary breast carcinoma; BREAST CANCER, FAMILIAL. Identifiers: Orphanet 227535, MedGen C0346153, MONDO:0016419, OMIM 114480. Disease mechanism: loss of function.
Ataxia-telangiectasia syndrome (AT). Also called: ATAXIA-TELANGIECTASIA, COMPLEMENTATION GROUP A; ATAXIA-TELANGIECTASIA, FRESNO VARIANT; Ataxia-telangiectasia; LOUIS-BAR SYNDROME; Cerebello-oculocutaneous telangiectasia; Immunodeficiency with ataxia telangiectasia. Identifiers: Orphanet 100, MedGen C0004135, MONDO:0008840, OMIM 208900.
Hereditary cancer-predisposing syndrome. Also called: Neoplastic Syndromes, Hereditary; Tumor predisposition; Hereditary Cancer Syndrome; Hereditary neoplastic syndrome. Identifiers: Orphanet 140162, MedGen C0027672, MeSH D009386, MONDO:0015356.

Submissions (3):

Myriad Genetics, Inc.
Classification: Pathogenic for Familial cancer of breast. Last evaluated: 2025-04-24. Review status: criteria provided, single submitter. Criteria: Myriad Autosomal Dominant, Autosomal Recessive and X-Linked Classification Criteria (2023). Collection method: clinical testing. Allele origin: unknown.
Comment: This variant is considered pathogenic. This variant creates a frameshift predicted to result in premature protein truncation.

Ambry Genetics
Classification: Pathogenic for Hereditary cancer-predisposing syndrome. Last evaluated: 2025-02-18. Review status: criteria provided, single submitter. Criteria: Ambry Variant Classification Scheme 2023. Collection method: clinical testing. Allele origin: germline.
Comment: The c.3131delA pathogenic mutation, located in coding exon 20 of the ATM gene, results from a deletion of one nucleotide at nucleotide position 3131, causing a translational frameshift with a predicted alternate stop codon (p.N1044Ifs*20). This variant is considered to be rare based on population cohorts in the Genome Aggregation Database (gnomAD). This alteration is expected to result in loss of function by premature protein truncation or nonsense-mediated mRNA decay. As such, this alteration is interpreted as a disease-causing mutation.

Labcorp Genetics (formerly Invitae), Labcorp
Classification: Pathogenic for Ataxia-telangiectasia syndrome. Last evaluated: 2022-08-20. Review status: criteria provided, single submitter. Criteria: Invitae Variant Classification Sherloc (09022015). Collection method: clinical testing. Allele origin: germline.
Comment: For these reasons, this variant has been classified as Pathogenic. This variant has not been reported in the literature in individuals affected with ATM-related conditions. This variant is not present in population databases (gnomAD no frequency). This sequence change creates a premature translational stop signal (p.Asn1044Ilefs*20) in the ATM gene. It is expected to result in an absent or disrupted protein product. Loss-of-function variants in ATM are known to be pathogenic (PMID: 23807571, 25614872).

Literature cited by the submitters: PubMed 23807571 (cited by Labcorp Genetics (formerly Invitae), Labcorp); PubMed 25614872 (cited by Labcorp Genetics (formerly Invitae), Labcorp).

NM_000051.4(ATM):c.3131del (p.Asn1044fs)

Gene: ATM (ATM serine/threonine kinase; plus strand). Cytogenetic location: 11q22.3.
Variant type: Deletion.
Coding change: c.3131del on transcript NM_000051.4 (MANE Select); coding-DNA position 3131, one base deleted (A; older notation c.3131delA).
Protein change: p.Asn1044fs; shifts the reading frame from asparagine 1044.
Molecular consequence: frameshift variant.
Genome position (GRCh38, 1-based): chr11:108,272,585, A deleted; the last of 3 consecutive A bases (chr11:108,272,583-108,272,585); deleting any one gives the same sequence. VCF-style (leftmost placement, unchanged base first): chr11-108272582-TA-T. GRCh37 (hg19) VCF-style: chr11-108143309-TA-T.
Other names: c.3131del, p.Asn1044fs (NM_001351834.2); short protein forms N1044fs.
Identifiers: ClinVar variation 2175331 (VCV002175331.6), dbSNP rs2497713908, ClinGen allele CA2580083298.